The following is an entry in ClinVar:

ClinVar aggregate classification (germline): Uncertain significance. Review status: criteria provided, multiple submitters, no conflicts (2 of 4 stars). 2 submissions from 2 submitters: Uncertain significance (2). Last evaluated 2024-10-12.

gnomAD v4.1: 4 of 1,613,964 alleles (0.00025%); highest among the groups gnomAD compares: Non-Finnish European, 0.00034%; no homozygotes.

Submissions (2):

Labcorp Genetics (formerly Invitae), Labcorp
Classification: Uncertain significance. Last evaluated: 2024-10-12. Review status: criteria provided, single submitter. Criteria: Invitae Variant Classification Sherloc (09022015). Collection method: clinical testing. Allele origin: germline.
Comment: This sequence change replaces threonine, which is neutral and polar, with lysine, which is basic and polar, at codon 897 of the KMT2E protein (p.Thr897Lys). This variant is present in population databases (rs781599830, gnomAD 0.0009%). This variant has not been reported in the literature in individuals affected with KMT2E-related conditions. Invitae Evidence Modeling of protein sequence and biophysical properties (such as structural, functional, and spatial information, amino acid conservation, physicochemical variation, residue mobility, and thermodynamic stability) has been performed for this missense variant. However, the output from this modeling did not meet the statistical confidence thresholds required to predict the impact of this variant on KMT2E protein function. In summary, the available evidence is currently insufficient to determine the role of this variant in disease. Therefore, it has been classified as a Variant of Uncertain Significance.

GeneDx
Classification: Uncertain significance. Last evaluated: 2023-12-17. Review status: criteria provided, single submitter. Criteria: GeneDx Variant Classification Process June 2021. Collection method: clinical testing. Allele origin: germline. Affected: yes.
Comment: Not observed at significant frequency in large population cohorts (gnomAD); In silico analysis supports that this missense variant does not alter protein structure/function; Has not been previously published as pathogenic or benign to our knowledge

NM_182931.3(KMT2E):c.2690C>A (p.Thr897Lys)

Gene: KMT2E (lysine methyltransferase 2E (inactive); plus strand). Cytogenetic location: 7q22.3.
Variant type: single nucleotide variant.
Coding change: c.2690C>A on transcript NM_182931.3 (MANE Select); coding-DNA position 2690, C replaced by A.
Protein change: p.Thr897Lys; replaces threonine 897 with lysine.
Molecular consequence: missense variant.
Genome position (GRCh38, 1-based): chr7:105,106,615, C>A. VCF-style: chr7-105106615-C-A. GRCh37 (hg19) VCF-style: chr7-104747062-C-A.
Other names: c.2690C>A, p.Thr897Lys (NM_001410908.1, NM_018682.4); short protein forms T897K.
Identifiers: ClinVar variation 3365723 (VCV003365723.3).
Genomic context (GRCh38, chr7:105,106,615, plus strand): 5'-ATCAGTTGCTAGATTCGGTTTACTCAGAAACCTCCACACCTACTCCTTCCCCGTATGCTA[C>A]ACCAACTCACACCGATATTACTCCTATGGACCCATCTTTTGCCACGCCTCCACGGATAAA-3'
Protein context (NP_891847.1, residues 887-907): TSTPTPSPYA[Thr897Lys]PTHTDITPMD